The following is an entry in ClinVar:

NM_000264.5(PTCH1):c.2101A>C (p.Ser701Arg)

Genes: PTCH1 (patched 1; minus strand), LOC100507346 (uncharacterized LOC100507346; plus strand). Cytogenetic location: 9q22.32.
Variant type: single nucleotide variant.
Coding change: c.2101A>C on transcript NM_000264.5 (MANE Select); coding-DNA position 2101, A replaced by C.
Protein change: p.Ser701Arg; replaces serine 701 with arginine.
Molecular consequence: missense variant. On other transcripts: non-coding transcript variant (2).
Genome position (GRCh38, 1-based): chr9:95,468,900, T>G on the plus strand (A>C on the coding strand, the complement: PTCH1 is on the minus strand). VCF-style: chr9-95468900-T-G. GRCh37 (hg19) VCF-style: chr9-98231182-T-G.
Other names: c.1903A>C, p.Ser635Arg (NM_001083602.3); c.2098A>C, p.Ser700Arg (NM_001083603.3); c.1648A>C, p.Ser550Arg (NM_001083604.3, NM_001083605.3, NM_001083606.3 and 1 more transcripts); c.1945A>C, p.Ser649Arg (NM_001354918.2); short protein forms S635R, S550R, S700R, S649R, S701R.
Identifiers: ClinVar variation 5027494 (VCV005027494.1).

ClinVar aggregate classification (germline): Uncertain significance (1 of 4 stars; one submission).

Conditions:
Hereditary cancer-predisposing syndrome. Also called: Neoplastic Syndromes, Hereditary; Tumor predisposition; Hereditary neoplastic syndrome; Hereditary Cancer Syndrome. Identifiers: Orphanet 140162, MedGen C0027672, MeSH D009386, MONDO:0015356.

Submission:

Ambry Genetics
Classification: Uncertain significance for Hereditary cancer-predisposing syndrome. Last evaluated: 2026-07-07. Review status: criteria provided, single submitter. Criteria: Ambry Variant Classification Scheme 2023. Collection method: clinical testing. Allele origin: germline.
Comment: The p.S635R variant (also known as c.1903A>C), located in coding exon 14 of the PTCH1 gene, results from an A to C substitution at nucleotide position 1903. The serine at codon 635 is replaced by arginine, an amino acid with dissimilar properties. This amino acid position is conserved. In addition, the in silico prediction for this alteration is inconclusive. Based on the available evidence, the clinical significance of this variant remains unclear.